The following is an entry in ClinVar:

NM_000170.3(GLDC):c.1635C>G (p.Asp545Glu)

Gene: GLDC (glycine decarboxylase; minus strand). Cytogenetic location: 9p24.1.
Variant type: single nucleotide variant.
Coding change: c.1635C>G on transcript NM_000170.3 (MANE Select); coding-DNA position 1635, C replaced by G.
Protein change: p.Asp545Glu; replaces aspartic acid 545 with glutamic acid.
Molecular consequence: missense variant.
Genome position (GRCh38, 1-based): chr9:6,588,648, G>C on the plus strand (C>G on the coding strand, the complement: GLDC is on the minus strand). VCF-style: chr9-6588648-G-C. GRCh37 (hg19) VCF-style: chr9-6588648-G-C.
Other names: short protein forms D545E.
Identifiers: ClinVar variation 1466095 (VCV001466095.3), dbSNP rs2129837376, ClinGen allele CA372892611.

ClinVar aggregate classification (germline): Uncertain significance (1 of 4 stars; one submission).

Conditions:
Glycine encephalopathy. Also called: Non-ketotic hyperglycinemia; Nonketotic hyperglycinemia. Identifiers: Orphanet 407, MedGen C0751748, MONDO:0011612, HP:0008288.

gnomAD v4.1: 5 of 1,612,522 alleles (0.00031%); highest among the groups gnomAD compares: South Asian, 0.0055%; no homozygotes.

Submission:

Labcorp Genetics (formerly Invitae), Labcorp
Classification: Uncertain significance for Glycine encephalopathy. Last evaluated: 2021-10-13. Review status: criteria provided, single submitter. Criteria: Invitae Variant Classification Sherloc (09022015). Collection method: clinical testing. Allele origin: germline.
Comment: This sequence change replaces aspartic acid with glutamic acid at codon 545 of the GLDC protein (p.Asp545Glu). The aspartic acid residue is highly conserved and there is a small physicochemical difference between aspartic acid and glutamic acid. This variant is not present in population databases (ExAC no frequency). This variant has not been reported in the literature in individuals affected with GLDC-related conditions. Algorithms developed to predict the effect of missense changes on protein structure and function (SIFT, PolyPhen-2, Align-GVGD) all suggest that this variant is likely to be tolerated. In summary, the available evidence is currently insufficient to determine the role of this variant in disease. Therefore, it has been classified as a Variant of Uncertain Significance.